The following is an entry in ClinVar:

ClinVar aggregate classification (germline): Uncertain significance (1 of 4 stars; one submission).

Conditions:
Pierson syndrome. Also called: MICROCORIA-CONGENITAL NEPHROTIC SYNDROME. Identifiers: Orphanet 2670, MedGen C1836876, MONDO:0012184, OMIM 609049.
LAMB2-related infantile-onset nephrotic syndrome. Also called: Nephrotic Syndrome, type 5; NEPHROTIC SYNDROME, TYPE 5, WITHOUT OCULAR ABNORMALITIES; NEPHROTIC SYNDROME, TYPE 5, WITH OCULAR ABNORMALITIES. Identifiers: Orphanet 306507, MedGen C3280113, MONDO:0013621, OMIM 614199.

Allele frequency attached by ClinVar (database versions not stated): gnomAD 0.00001; TOPMed 0.00004.
gnomAD v4.1: 4 of 1,613,736 alleles (0.00025%); highest among the groups gnomAD compares: Non-Finnish European, 0.00025%; no homozygotes.

Submission:

Labcorp Genetics (formerly Invitae), Labcorp
Classification: Uncertain significance for LAMB2-related infantile-onset nephrotic syndrome; Pierson syndrome. Last evaluated: 2025-11-03. Review status: criteria provided, single submitter. Criteria: Invitae Variant Classification Sherloc (09022015). Collection method: clinical testing. Allele origin: germline.
Comment: This sequence change replaces isoleucine, which is neutral and non-polar, with asparagine, which is neutral and polar, at codon 1625 of the LAMB2 protein (p.Ile1625Asn). This variant is not present in population databases (gnomAD no frequency). This variant has not been reported in the literature in individuals affected with LAMB2-related conditions. ClinVar contains an entry for this variant (Variation ID: 1023301). An algorithm developed to predict the effect of missense changes on protein structure and function (PolyPhen-2) suggests that this variant is likely to be disruptive. In summary, the available evidence is currently insufficient to determine the role of this variant in disease. Therefore, it has been classified as a Variant of Uncertain Significance.

NM_002292.4(LAMB2):c.4874T>A (p.Ile1625Asn)

Gene: LAMB2 (laminin subunit beta 2; minus strand). Cytogenetic location: 3p21.31.
Variant type: single nucleotide variant.
Coding change: c.4874T>A on transcript NM_002292.4 (MANE Select); coding-DNA position 4874, T replaced by A.
Protein change: p.Ile1625Asn; replaces isoleucine 1625 with asparagine.
Molecular consequence: missense variant.
Genome position (GRCh38, 1-based): chr3:49,121,993, A>T on the plus strand (T>A on the coding strand, the complement: LAMB2 is on the minus strand). VCF-style: chr3-49121993-A-T. GRCh37 (hg19) VCF-style: chr3-49159426-A-T.
Other names: short protein forms I1625N.
Identifiers: ClinVar variation 1023301 (VCV001023301.3), dbSNP rs763488594, ClinGen allele CA74475370.